The following is an entry in ClinVar:

NM_000535.7:(PMS2):c.(1144+1_1145-1)_(2445+1_2446-1)del (p.Asn383Aspfs*7)

Gene: PMS2 (PMS1 homolog 2, mismatch repair system component; minus strand). Cytogenetic location: 7p22.1.
Variant type: Deletion.
Other names: c.(1144+1_1145-1)_(2445+1_2446-1)del (NM_000535.7).
Identifiers: ClinVar variation 91295 (VCV000091295.3).

ClinVar aggregate classification (germline): Pathogenic. Review status: reviewed by expert panel (3 of 4 stars). 2 submissions from 2 submitters: Pathogenic (1). 1 of the submissions does not count toward it. Last evaluated 2013-09-05.

Conditions:
Lynch syndrome. Identifiers: Orphanet 144, MedGen C4552100, MONDO:0005835. Disease mechanism: loss of function.
Mismatch repair cancer syndrome 4. Identifiers: MedGen C5436817, MONDO:0030843, OMIM 619101.

Submissions (2):

International Society for Gastrointestinal Hereditary Tumours (InSiGHT)
Classification: Pathogenic for Lynch Syndrome. Last evaluated: 2013-09-05. Review status: reviewed by expert panel. Criteria: Guidelines v1.9. Collection method: research. Allele origin: germline.
Comment: Large deletion

Classified with v1.9 guidelines

OMIM
Classification: Pathogenic for MISMATCH REPAIR CANCER SYNDROME 4. Last evaluated: 2008-10-27. Review status: no assertion criteria provided. Collection method: literature only. Allele origin: germline. Not counted in ClinVar's aggregate classification.

Literature cited by the submitters: PubMed 18824584 (cited by OMIM).